The following is an entry in ClinVar:

NM_001754.5(RUNX1):c.614-20C>A

Gene: RUNX1 (RUNX family transcription factor 1; minus strand). Cytogenetic location: 21q22.12.
Variant type: single nucleotide variant.
Coding change: c.614-20C>A on transcript NM_001754.5 (MANE Select); 20 bases into the intron before coding-DNA position 614, C replaced by A.
Molecular consequence: intron variant.
Genome position (GRCh38, 1-based): chr21:34,834,621, G>T on the plus strand (C>A on the coding strand, the complement: RUNX1 is on the minus strand). VCF-style: chr21-34834621-G-T. GRCh37 (hg19) VCF-style: chr21-36206918-G-T.
Other names: c.533-20C>A (NM_001001890.3, NM_001122607.2).
Identifiers: ClinVar variation 2101153 (VCV002101153.5), dbSNP rs767418895, ClinGen allele CA2580098682.

ClinVar aggregate classification (germline): Likely benign. Review status: reviewed by expert panel (3 of 4 stars). 2 submissions from 2 submitters: Likely benign (1). 1 of the submissions does not count toward it. Last evaluated 2024-08-28.

Conditions:
Hereditary thrombocytopenia and hematological cancer predisposition syndrome associated with RUNX1. Also called: Familial Platelet Disorder with Propensity to Acute Myelogenous Leukemia; Familial thrombocytopenia with propensity to acute myelogenous leukemia; PLATELET DISORDER, ASPIRIN-LIKE; RUNX1 Familial Platelet Disorder with Associated Myeloid Malignancies. Identifiers: Orphanet 71290, MedGen C1832388, MeSH C563324, MONDO:0100083, OMIM 601399.
Hereditary thrombocytopenia and hematologic cancer predisposition syndrome. Identifiers: Orphanet 71290, MedGen CN281654, MONDO:0011071.

Submissions (2):

ClinGen Myeloid Malignancy Variant Curation Expert Panel
Classification: Likely benign for Hereditary thrombocytopenia and hematologic cancer predisposition syndrome. Last evaluated: 2024-08-28. Review status: reviewed by expert panel. Criteria: ClinGen MyeloMalig ACMG Specifications v2. Collection method: curation. Allele origin: germline. Inheritance: Autosomal dominant inheritance.
Comment: NM_001754.5(RUNX1):c.614-20C>A is an intronic variant which has a SpliceAI score ≤ 0.20 (0.0) (BP4). This variant has a SpliceAI score ≤ 0.20 (0.0) and evolutionary conservation prediction algorithms predict the site as not being conserved (PhyloP score ≤ 2.0 (-0.44) (BP7). This variant is completely absent from all population databases with at least 20x coverage for RUNX1 (PM2_Supporting). In summary, this variant meets criteria to be classified as likely benign. ACMG/AMP criteria applied, as specified by the Myeloid Malignancy Variant Curation Expert Panel for RUNX1: BP4, BP7, PM2_supporting.

Labcorp Genetics (formerly Invitae), Labcorp
Classification: Likely benign for Hereditary thrombocytopenia and hematological cancer predisposition syndrome associated with RUNX1. Last evaluated: 2022-02-21. Review status: criteria provided, single submitter. Criteria: Invitae Variant Classification Sherloc (09022015). Collection method: clinical testing. Allele origin: germline. Not counted in ClinVar's aggregate classification.